The following is an entry in ClinVar:

ClinVar aggregate classification (germline): Conflicting classifications of pathogenicity. Review status: criteria provided, conflicting classifications (1 of 4 stars). 3 submissions from 3 submitters: Pathogenic (1); Likely pathogenic (1); Uncertain significance (1). Last evaluated 2025-08-29.

Conditions:
Warburg micro syndrome 1 (WARBM1). Identifiers: Orphanet 2510, MedGen C1838625, MONDO:0010822, OMIM 600118.

Submissions (3):

Labcorp Genetics (formerly Invitae), Labcorp
Classification: Pathogenic. Last evaluated: 2025-08-29. Review status: criteria provided, single submitter. Criteria: Invitae Variant Classification Sherloc (09022015). Collection method: clinical testing. Allele origin: germline.
Comment: This sequence change creates a premature translational stop signal (p.Gly88Argfs*5) in the RAB3GAP1 gene. It is expected to result in an absent or disrupted protein product. Loss-of-function variants in RAB3GAP1 are known to be pathogenic (PMID: 23420520). This variant is not present in population databases (gnomAD no frequency). This premature translational stop signal has been observed in individual(s) with Warburg micro syndrome (PMID: 33951304). ClinVar contains an entry for this variant (Variation ID: 1912404). Algorithms developed to predict the effect of sequence changes on RNA splicing suggest that this variant may disrupt the consensus splice site. For these reasons, this variant has been classified as Pathogenic.

Genomic Medicine Center of Excellence, King Faisal Specialist Hospital and Research Centre
Classification: Uncertain significance for Warburg micro syndrome 1. Last evaluated: 2024-03-29. Review status: criteria provided, single submitter. Criteria: ACMG Guidelines, 2015. Collection method: clinical testing. Allele origin: germline.

Breakthrough Genomics
Classification: Likely pathogenic for Warburg micro syndrome 1. Last evaluated: 2021-12-08. Review status: criteria provided, single submitter. Criteria: ACMG Guidelines, 2015. Collection method: clinical testing. Allele origin: germline. Affected: yes.
Comment: This variant seems to be a novel variant, as it has not been previously reported in population databases or in the literature. However, several other truncating/non sense variants lying downstream of the variant, have been previously reported as pathogenic in the ClinVar database context of Warburg micro syndrome 1.

Literature cited by the submitters: PubMed 23420520 (cited by Labcorp Genetics (formerly Invitae), Labcorp); PubMed 33951304 (cited by Labcorp Genetics (formerly Invitae), Labcorp).

NM_012233.3(RAB3GAP1):c.258_261del (p.Gly88fs)

Gene: RAB3GAP1 (RAB3 GTPase activating protein catalytic subunit 1; plus strand). Cytogenetic location: 2q21.3.
Variant type: Deletion.
Coding change: c.258_261del on transcript NM_012233.3 (MANE Select); coding-DNA positions 258 to 261, 4 bases deleted (AGAA; older notation c.258_261delAGAA).
Protein change: p.Gly88fs; shifts the reading frame from glycine 88.
Molecular consequence: frameshift variant.
Genome position (GRCh38, 1-based): chr2:135,091,105-135,091,108, AGAA deleted; deleting any 4 consecutive bases within chr2:135,091,103-135,091,108 gives the same sequence; the c. name uses the placement nearest the transcript's 3' end. VCF-style (leftmost placement, unchanged base first): chr2-135091102-TAAAG-T. GRCh37 (hg19) VCF-style: chr2-135848672-TAAAG-T.
Other names: p.Gly88ArgfsTer5; c.258_261del, p.Gly88fs (NM_001172435.2); c.258_261del (NM_001172435.1); short protein forms G88fs.
Identifiers: ClinVar variation 1912404 (VCV001912404.9), dbSNP rs1574100501, ClinGen allele CA916656906.